The following is an entry in ClinVar:

NM_003803.4(MYOM1):c.2357G>A (p.Cys786Tyr)

Gene: MYOM1 (myomesin 1; minus strand). Cytogenetic location: 18p11.31.
Variant type: single nucleotide variant.
Coding change: c.2357G>A on transcript NM_003803.4 (MANE Select); coding-DNA position 2357, G replaced by A.
Protein change: p.Cys786Tyr; replaces cysteine 786 with tyrosine.
Molecular consequence: missense variant.
Genome position (GRCh38, 1-based): chr18:3,134,677, C>T on the plus strand (G>A on the coding strand, the complement: MYOM1 is on the minus strand). VCF-style: chr18-3134677-C-T. GRCh37 (hg19) VCF-style: chr18-3134675-C-T.
Other names: c.2357G>A, p.Cys786Tyr (NM_019856.2); short protein forms C786Y.
Identifiers: ClinVar variation 2916105 (VCV002916105.3), dbSNP rs1167997442, ClinGen allele CA401712468.
Genomic context (GRCh38, chr18:3,134,677, plus strand): 5'-CCATTGCCCGCCCTGCACACCCGACTGAGTTACCGTGAGCCCTTCACGGGGTTGTTGTTA[C>T]AGGGCTCCCACTTGCCAGAGCCAGCAACGCTCGCCTCTATGTAGTACCCGACCAGCTCTT-3'
Protein context (NP_003794.3, residues 776-796): SVAGSGKWEP[Cys786Tyr]NNNPVKGSRF

ClinVar aggregate classification (germline): Uncertain significance (1 of 4 stars; one submission).

Conditions:
Hypertrophic cardiomyopathy. Also called: HYPERTROPHIC MYOCARDIOPATHY. Identifiers: Orphanet 217569, MedGen C0007194, MeSH D002312, MONDO:0005045, HP:0001639.

Allele frequency attached by ClinVar (database versions not stated): gnomAD exomes below 0.00001.
gnomAD v4.1: 2 of 1,613,714 alleles (0.00012%); highest among the groups gnomAD compares: Admixed American, 0.0033%; no homozygotes.

Submission:

Labcorp Genetics (formerly Invitae), Labcorp
Classification: Uncertain significance for Hypertrophic cardiomyopathy. Last evaluated: 2023-08-11. Review status: criteria provided, single submitter. Criteria: Invitae Variant Classification Sherloc (09022015). Collection method: clinical testing. Allele origin: germline.
Comment: In summary, the available evidence is currently insufficient to determine the role of this variant in disease. Therefore, it has been classified as a Variant of Uncertain Significance. Advanced modeling of protein sequence and biophysical properties (such as structural, functional, and spatial information, amino acid conservation, physicochemical variation, residue mobility, and thermodynamic stability) has been performed at Invitae for this missense variant, however the output from this modeling did not meet the statistical confidence thresholds required to predict the impact of this variant on MYOM1 protein function. This variant has not been reported in the literature in individuals affected with MYOM1-related conditions. This variant is present in population databases (no rsID available, gnomAD 0.003%). This sequence change replaces cysteine, which is neutral and slightly polar, with tyrosine, which is neutral and polar, at codon 786 of the MYOM1 protein (p.Cys786Tyr).